The following is an entry in ClinVar:

NM_001354930.2(RIPK1):c.876A>G (p.Gln292=)

Gene: RIPK1 (receptor interacting serine/threonine kinase 1; plus strand). Cytogenetic location: 6p25.2.
Variant type: single nucleotide variant.
Coding change: c.876A>G on transcript NM_001354930.2 (MANE Select); coding-DNA position 876, A replaced by G.
Protein change: p.Gln292=; no amino-acid change (glutamine 292 retained).
Molecular consequence: synonymous variant.
Genome position (GRCh38, 1-based): chr6:3,089,618, A>G. VCF-style: chr6-3089618-A-G. GRCh37 (hg19) VCF-style: chr6-3089852-A-G.
Other names: c.387A>G, p.Gln129= (NM_001317061.3, NM_001354932.2, NM_001354933.2 and 1 more transcripts); c.738A>G, p.Gln246= (NM_001354931.2); c.876A>G, p.Gln292= (NM_003804.6).
Identifiers: ClinVar variation 2998183 (VCV002998183.3), dbSNP rs201489236, ClinGen allele CA133484069.

ClinVar aggregate classification (germline): Uncertain significance (1 of 4 stars; one submission).

Allele frequency attached by ClinVar (database versions not stated): gnomAD exomes below 0.00001; gnomAD 0.00002; 1000 Genomes Project 30x 0.00016; 1000 Genomes Project 0.00020.
gnomAD v4.1: 7 of 1,585,650 alleles (0.00044%); highest among the groups gnomAD compares: African/African-American, 0.0054%; no homozygotes.

Submission:

Labcorp Genetics (formerly Invitae), Labcorp
Classification: Uncertain significance. Last evaluated: 2023-01-24. Review status: criteria provided, single submitter. Criteria: Invitae Variant Classification Sherloc (09022015). Collection method: clinical testing. Allele origin: germline.
Comment: This sequence change affects codon 292 of the RIPK1 mRNA. It is a 'silent' change, meaning that it does not change the encoded amino acid sequence of the RIPK1 protein. This variant is present in population databases (rs201489236, gnomAD 0.03%). This variant has not been reported in the literature in individuals affected with RIPK1-related conditions. Algorithms developed to predict the effect of sequence changes on RNA splicing suggest that this variant may disrupt the consensus splice site. In summary, the available evidence is currently insufficient to determine the role of this variant in disease. Therefore, it has been classified as a Variant of Uncertain Significance.